The following is an entry in ClinVar:

NM_001146.5(ANGPT1):c.655C>G (p.Leu219Val)

Gene: ANGPT1 (angiopoietin 1; minus strand). Cytogenetic location: 8q23.1.
Variant type: single nucleotide variant.
Coding change: c.655C>G on transcript NM_001146.5 (MANE Select); coding-DNA position 655, C replaced by G.
Protein change: p.Leu219Val; replaces leucine 219 with valine.
Molecular consequence: missense variant.
Genome position (GRCh38, 1-based): chr8:107,322,049, G>C on the plus strand (C>G on the coding strand, the complement: ANGPT1 is on the minus strand). VCF-style: chr8-107322049-G-C. GRCh37 (hg19) VCF-style: chr8-108334277-G-C.
Other names: c.655C>G, p.Leu219Val (NM_001199859.3); c.55C>G, p.Leu19Val (NM_001314051.2); short protein forms L19V, L219V.
Identifiers: ClinVar variation 2995120 (VCV002995120.3), dbSNP rs756912018, ClinGen allele CA4841294.

ClinVar aggregate classification (germline): Uncertain significance (1 of 4 stars; one submission).

Allele frequency attached by ClinVar (database versions not stated): ExAC 0.00001; TOPMed 0.00001.
gnomAD v4.1: 20 of 1,613,902 alleles (0.0012%); highest among the groups gnomAD compares: Non-Finnish European, 0.0017%; no homozygotes.

Submission:

Labcorp Genetics (formerly Invitae), Labcorp
Classification: Uncertain significance. Last evaluated: 2023-09-09. Review status: criteria provided, single submitter. Criteria: Invitae Variant Classification Sherloc (09022015). Collection method: clinical testing. Allele origin: germline.
Comment: In summary, the available evidence is currently insufficient to determine the role of this variant in disease. Therefore, it has been classified as a Variant of Uncertain Significance. An algorithm developed to predict the effect of missense changes on protein structure and function (PolyPhen-2) suggests that this variant is likely to be tolerated. This variant has not been reported in the literature in individuals affected with ANGPT1-related conditions. This variant is present in population databases (rs756912018, gnomAD 0.002%). This sequence change replaces leucine, which is neutral and non-polar, with valine, which is neutral and non-polar, at codon 219 of the ANGPT1 protein (p.Leu219Val).